The following is an entry in ClinVar:

NM_139076.3(ABRAXAS1):c.1030A>G (p.Ile344Val)

Gene: ABRAXAS1 (abraxas 1, BRCA1 A complex subunit; minus strand). Cytogenetic location: 4q21.23.
Variant type: single nucleotide variant.
Coding change: c.1030A>G on transcript NM_139076.3 (MANE Select); coding-DNA position 1030, A replaced by G.
Protein change: p.Ile344Val; replaces isoleucine 344 with valine.
Molecular consequence: missense variant.
Genome position (GRCh38, 1-based): chr4:83,462,669, T>C on the plus strand (A>G on the coding strand, the complement: ABRAXAS1 is on the minus strand). VCF-style: chr4-83462669-T-C. GRCh37 (hg19) VCF-style: chr4-84383822-T-C.
Other names: c.703A>G, p.Ile235Val (NM_001345962.2); short protein forms I344V, I235V.
Identifiers: ClinVar variation 2563999 (VCV002563999.2), dbSNP rs779312880, ClinGen allele CA2990392.

ClinVar aggregate classification (germline): Uncertain significance (1 of 4 stars; one submission).

Allele frequency attached by ClinVar (database versions not stated): gnomAD exomes below 0.00001; ExAC 0.00001.

Submission:

Ambry Genetics
Classification: Uncertain significance. Last evaluated: 2023-05-06. Review status: criteria provided, single submitter. Criteria: Ambry Variant Classification Scheme 2023. Collection method: clinical testing. Allele origin: germline.
Comment: The p.I344V variant (also known as c.1030A>G), located in coding exon 9 of the FAM175A gene, results from an A to G substitution at nucleotide position 1030. The isoleucine at codon 344 is replaced by valine, an amino acid with highly similar properties. This amino acid position is conserved. In addition, this alteration is predicted to be tolerated by in silico analysis. Since supporting evidence is limited at this time, the clinical significance of this alteration remains unclear.